The following is an entry in ClinVar:

ClinVar aggregate classification (germline): Uncertain significance (1 of 4 stars; one submission).

Conditions:
Early Myoclonic Encephalopathy. Identifiers: MedGen C0270855.

Allele frequency attached by ClinVar (database versions not stated): gnomAD 0.00005 and 0.00004; ExAC 0.00002; gnomAD exomes 0.00003; TOPMed 0.00003.
gnomAD v4.1: 62 of 1,613,790 alleles (0.0038%); highest among the groups gnomAD compares: East Asian, 0.0045%; no homozygotes.

Submission:

Labcorp Genetics (formerly Invitae), Labcorp
Classification: Uncertain significance for Early Myoclonic Encephalopathy. Last evaluated: 2025-09-10. Review status: criteria provided, single submitter. Criteria: Invitae Variant Classification Sherloc (09022015). Collection method: clinical testing. Allele origin: germline.
Comment: This sequence change replaces arginine, which is basic and polar, with glutamine, which is neutral and polar, at codon 1024 of the JMJD1C protein (p.Arg1024Gln). This variant is present in population databases (rs748085239, gnomAD 0.01%). This variant has not been reported in the literature in individuals affected with JMJD1C-related conditions. ClinVar contains an entry for this variant (Variation ID: 1060520). Invitae Evidence Modeling of protein sequence and biophysical properties (such as structural, functional, and spatial information, amino acid conservation, physicochemical variation, residue mobility, and thermodynamic stability) indicates that this missense variant is not expected to disrupt JMJD1C protein function with a negative predictive value of 80%. In summary, the available evidence is currently insufficient to determine the role of this variant in disease. Therefore, it has been classified as a Variant of Uncertain Significance.

NM_032776.3(JMJD1C):c.3071G>A (p.Arg1024Gln)

Gene: JMJD1C (jumonji domain containing 1C; minus strand). Cytogenetic location: 10q21.3.
Variant type: single nucleotide variant.
Coding change: c.3071G>A on transcript NM_032776.3 (MANE Select); coding-DNA position 3071, G replaced by A.
Protein change: p.Arg1024Gln; replaces arginine 1024 with glutamine.
Molecular consequence: missense variant. On other transcripts: non-coding transcript variant (1).
Genome position (GRCh38, 1-based): chr10:63,208,598, C>T on the plus strand (G>A on the coding strand, the complement: JMJD1C is on the minus strand). VCF-style: chr10-63208598-C-T. GRCh37 (hg19) VCF-style: chr10-64968358-C-T.
Other names: c.2525G>A, p.Arg842Gln (NM_001282948.2, NM_001318154.2); c.2207G>A, p.Arg736Gln (NM_001318153.2); c.2957G>A, p.Arg986Gln (NM_001322252.2); c.2414G>A, p.Arg805Gln (NM_001322254.2, NM_001322258.2); short protein forms R1024Q, R736Q, R805Q, R842Q, R986Q.
Identifiers: ClinVar variation 1060520 (VCV001060520.9), dbSNP rs748085239, ClinGen allele CA5518496.